The following is an entry in ClinVar:

NM_001083961.2(WDR62):c.14G>A (p.Gly5Glu)

Gene: WDR62 (WD repeat domain 62; plus strand). Cytogenetic location: 19q13.12.
Variant type: single nucleotide variant.
Coding change: c.14G>A on transcript NM_001083961.2 (MANE Select); coding-DNA position 14, G replaced by A.
Protein change: p.Gly5Glu; replaces glycine 5 with glutamic acid.
Molecular consequence: missense variant.
Genome position (GRCh38, 1-based): chr19:36,054,985, G>A. VCF-style: chr19-36054985-G-A. GRCh37 (hg19) VCF-style: chr19-36545887-G-A.
Other names: c.14G>A, p.Gly5Glu (NM_001411145.1, NM_001411146.1, NM_001411147.1 and 1 more transcripts); c.14G>A (NM_001083961.1); short protein forms G5E.
Identifiers: ClinVar variation 2184915 (VCV002184915.2), dbSNP rs564164528, ClinGen allele CA9395110.

ClinVar aggregate classification (germline): Uncertain significance. Review status: criteria provided, multiple submitters, no conflicts (2 of 4 stars). 2 submissions from 2 submitters: Uncertain significance (2). Last evaluated 2024-06-28.

Conditions:
Inborn genetic diseases. Identifiers: MedGen C0950123, MeSH D030342.

Allele frequency attached by ClinVar (database versions not stated): gnomAD 0.00003; gnomAD exomes 0.00004; TOPMed 0.00009; ExAC 0.00019; 1000 Genomes Project 0.00020; 1000 Genomes Project 30x 0.00031.

Submissions (2):

Ambry Genetics
Classification: Uncertain significance for Inborn genetic diseases. Last evaluated: 2024-06-28. Review status: criteria provided, single submitter. Criteria: Ambry Variant Classification Scheme 2023. Collection method: clinical testing. Allele origin: germline.

Labcorp Genetics (formerly Invitae), Labcorp
Classification: Uncertain significance. Last evaluated: 2022-07-18. Review status: criteria provided, single submitter. Criteria: Invitae Variant Classification Sherloc (09022015). Collection method: clinical testing. Allele origin: germline.
Comment: This sequence change replaces glycine, which is neutral and non-polar, with glutamic acid, which is acidic and polar, at codon 5 of the WDR62 protein (p.Gly5Glu). This variant is present in population databases (rs564164528, gnomAD 0.06%). This variant has not been reported in the literature in individuals affected with WDR62-related conditions. Algorithms developed to predict the effect of missense changes on protein structure and function output the following: SIFT: "Tolerated"; PolyPhen-2: "Probably Damaging"; Align-GVGD: "Class C0". The glutamic acid amino acid residue is found in multiple mammalian species, which suggests that this missense change does not adversely affect protein function. In summary, the available evidence is currently insufficient to determine the role of this variant in disease. Therefore, it has been classified as a Variant of Uncertain Significance.